The following is an entry in ClinVar:

ClinVar aggregate classification (germline): Uncertain significance (1 of 4 stars; one submission).

Conditions:
Epileptic encephalopathy. Identifiers: MedGen C0543888, HP:0200134.

Submission:

Labcorp Genetics (formerly Invitae), Labcorp
Classification: Uncertain significance for Epileptic encephalopathy. Last evaluated: 2017-10-18. Review status: criteria provided, single submitter. Criteria: Invitae Variant Classification Sherloc (09022015). Collection method: clinical testing. Allele origin: germline.
Comment: In summary, the available evidence is currently insufficient to determine the role of this variant in disease. Therefore, it has been classified as a Variant of Uncertain Significance. Algorithms developed to predict the effect of missense changes on protein structure and function do not agree on the potential impact of this missense change (SIFT: "Deleterious"; PolyPhen-2: "Probably Damaging"; Align-GVGD: "Class C0"). This variant has not been reported in the literature in individuals with RYR3-related disease. This variant is not present in population databases (ExAC no frequency). This sequence change replaces tyrosine with cysteine at codon 4637 of the RYR3 protein (p.Tyr4637Cys). The tyrosine residue is moderately conserved and there is a large physicochemical difference between tyrosine and cysteine.

NM_001036.6(RYR3):c.13910A>G (p.Tyr4637Cys)

Genes: RYR3 (ryanodine receptor 3; plus strand), AVEN (apoptosis and caspase activation inhibitor; minus strand). Cytogenetic location: 15q14.
Variant type: single nucleotide variant.
Coding change: c.13910A>G on transcript NM_001036.6 (MANE Select); coding-DNA position 13910, A replaced by G.
Protein change: p.Tyr4637Cys; replaces tyrosine 4637 with cysteine.
Molecular consequence: missense variant.
Genome position (GRCh38, 1-based): chr15:33,854,815, A>G. VCF-style: chr15-33854815-A-G. GRCh37 (hg19) VCF-style: chr15-34147016-A-G.
Other names: c.13895A>G, p.Tyr4632Cys (NM_001243996.4); short protein forms Y4637C, Y4632C.
Identifiers: ClinVar variation 530978 (VCV000530978.8), dbSNP rs1555493768, ClinGen allele CA391600768.